The following is an entry in ClinVar:

ClinVar aggregate classification (germline): Pathogenic/Likely pathogenic. Review status: criteria provided, multiple submitters, no conflicts (2 of 4 stars). 2 submissions from 2 submitters: Pathogenic (1); Likely pathogenic (1). Last evaluated 2023-08-26.

Conditions:
Vascular malformation. Also called: Vascular malformations. Identifiers: MedGen C0158570, MONDO:0024291.
Parkes Weber syndrome (PKWS). Also called: Cutaneous flush with underlying multiple micro arteriovenous fistulas, soft tissue and skeletal hypertrophy of the affected limb. Identifiers: Orphanet 2346, Orphanet 90307, MedGen C5574870, MONDO:0700325.

Submissions (2):

Clinical Genomics Laboratory, Washington University in St. Louis
Classification: Likely pathogenic for Vascular malformation. Last evaluated: 2023-08-26. Review status: criteria provided, single submitter. Criteria: ACMG Guidelines, 2015. Collection method: clinical testing. Allele origin: somatic. Affected: yes.
Comment: The MAP2K1 c.173_187del (p.Gln58_Glu62del) variant was identified at an allelic fraction consistent with somatic origin. The MAP2K1 c.173_187del (p.Gln58_Glu62del) variant has been reported in three individuals with arteriovenous malformations (Couto JA et al., PMID: 28190454; Goss JA et al., PMID: 31486960). This variant has been reported in three cases in the cancer database COSMIC (Genomic Mutation ID: COSV61072149), and it has been reported in the ClinVar database as pathogenic by one submitter (ClinVar Variation ID: 1691383). The MAP2K1 c.173_187del (p.Gln58_Glu62del) variant is absent from the general population (gnomAD v.2.1.1), indicating it is not a common variant. This variant resides within an N-terminus region, amino acids 43-61, of MAP2K1 that is defined as a critical functional domain (Xu Be et al., PMID: 10567369; Gelb BD et al., PMID: 29493581). This variant is predicted to cause a change in the length of the protein due to an in-frame deletion of 5 amino acids in a non-repeat region. Based on an internally developed protocol informed by the ACMG/AMP guidelines (Richards S et al., PMID: 25741868) and gene-specific practices from the ClinGen Criteria Specification Registry, the MAP2K1 c.173_187del (p.Gln58_Glu62del) variant is classified as likely pathogenic.

Seattle Children's Hospital Molecular Genetics Laboratory, Seattle Children's Hospital
Classification: Pathogenic for Parkes Weber syndrome. Review status: criteria provided, single submitter. Criteria: ACMG Guidelines, 2015. Collection method: clinical testing. Allele origin: somatic. Affected: yes.
Comment: This deletion of 15 nucleotides results in an in-frame deletion adjacent to the proteins negative regulatory domain. It has been proposed, but not experimentally demonstrated, that this variant increases MEK1 activity (PMID: 28190454). This variant has previously been reported in at least three unrelated individuals with arteriovenous malformations (AVMs) or an intramuscular fast-flow vascular anomaly (IFVA) (PMID: 28190454, 31486960). The origin of the mutation was somatic in each individual. Somatic activating mutations in mitogen activated protein kinase kinase 1 (MAP2K1), the gene that encodes MAP-extracellular signal-regulated kinase 1 (MEK1) are a known cause of AVMs.

NM_002755.4(MAP2K1):c.173_187del (p.Gln58_Glu62del)

Gene: MAP2K1 (mitogen-activated protein kinase kinase 1; plus strand). Cytogenetic location: 15q22.31.
Variant type: Deletion.
Coding change: c.173_187del on transcript NM_002755.4 (MANE Select); coding-DNA positions 173 to 187, 15 bases deleted (AGAAGGTGGGAGAAC).
Protein change: p.Gln58_Glu62del.
Molecular consequence: inframe deletion.
Genome position (GRCh38, 1-based): chr15:66,435,119-66,435,133, AGAAGGTGGGAGAAC deleted; deleting any 15 consecutive bases within chr15:66,435,118-66,435,133 gives the same sequence; the c. name uses the placement nearest the transcript's 3' end. VCF-style (leftmost placement, unchanged base first): chr15-66435117-GCAGAAGGTGGGAGAA-G. GRCh37 (hg19) VCF-style: chr15-66727455-GCAGAAGGTGGGAGAA-G.
Identifiers: ClinVar variation 1691383 (VCV001691383.3), dbSNP rs2140579005, ClinGen allele CA645570537.
Genomic context (GRCh38, chr15:66,435,117, plus strand): 5'-GGAGGAGCTAGAGCTTGATGAGCAGCAGCGAAAGCGCCTTGAGGCCTTTCTTACCCAGAA[GCAGAAGGTGGGAGAA>G]CTGAAGGATGACGACTTTGAGAAGATCAGTGAGCTGGGGGCTGGCAATGGCGGTGTGGTG-3'